The following is an entry in ClinVar:

ClinVar aggregate classification (germline): Likely benign (0 of 4 stars; one submission).

Conditions:
ESRP2-related disorder. Also called: ESRP2-related condition.

Allele frequency attached by ClinVar (database versions not stated): gnomAD 0.00031; TOPMed 0.00035; gnomAD exomes 0.00056; ExAC 0.00081; 1000 Genomes Project 30x 0.00125; 1000 Genomes Project 0.00160.
gnomAD v4.1: 847 of 1,614,238 alleles (0.052%); highest among the groups gnomAD compares: East Asian, 1.8%; 6 homozygotes.

Submission:

PreventionGenetics, part of Exact Sciences
Classification: Likely benign for ESRP2-related condition. Last evaluated: 2019-02-21. Review status: no assertion criteria provided. Collection method: clinical testing. Allele origin: germline.
Comment: This variant is classified as likely benign based on ACMG/AMP sequence variant interpretation guidelines (Richards et al. 2015 PMID: 25741868, with internal and published modifications).

NM_024939.3(ESRP2):c.2082C>T (p.Tyr694=)

Gene: ESRP2 (epithelial splicing regulatory protein 2; minus strand). Cytogenetic location: 16q22.1.
Variant type: single nucleotide variant.
Coding change: c.2082C>T on transcript NM_024939.3 (MANE Select); coding-DNA position 2082, C replaced by T.
Protein change: p.Tyr694=; no amino-acid change (tyrosine 694 retained).
Molecular consequence: synonymous variant. On other transcripts: missense variant (1).
Genome position (GRCh38, 1-based): chr16:68,230,298, G>A on the plus strand (C>T on the coding strand, the complement: ESRP2 is on the minus strand). VCF-style: chr16-68230298-G-A. GRCh37 (hg19) VCF-style: chr16-68264201-G-A.
Other names: c.2112C>T, p.Tyr704= (NM_001365264.1); c.1916C>T, p.Thr639Ile (NM_001365265.1); short protein forms T639I.
Identifiers: ClinVar variation 3034649 (VCV003034649.2), dbSNP rs3743737, ClinGen allele CA8125046.